The following is an entry in ClinVar:

ClinVar aggregate classification (germline): Pathogenic (1 of 4 stars; one submission).

Conditions:
Baller-Gerold syndrome (BGS). Also called: CRANIOSYNOSTOSIS WITH RADIAL DEFECTS. Identifiers: Orphanet 1225, MedGen C0265308, MONDO:0009039, OMIM 218600.

Submission:

Labcorp Genetics (formerly Invitae), Labcorp
Classification: Pathogenic for Baller-Gerold syndrome. Last evaluated: 2021-11-26. Review status: criteria provided, single submitter. Criteria: Invitae Variant Classification Sherloc (09022015). Collection method: clinical testing. Allele origin: germline.
Comment: For these reasons, this variant has been classified as Pathogenic. This variant has not been reported in the literature in individuals affected with RECQL4-related conditions. This variant is a gross deletion of the genomic region encompassing exon(s) 1-12 of the RECQL4 gene, which includes the initiator codon. This deletion extends beyond the assayed region for this gene and therefore may encompass additional genes. It is expected to result in an absent or disrupted protein product. Loss-of-function variants in RECQL4 are known to be pathogenic (PMID: 12734318, 12952869).

Literature cited by the submitters: PubMed 12734318; PubMed 12952869.

NC_000008.10:g.(?_145739302)_(145743168_?)del

Gene: RECQL4 (RecQ like helicase 4; minus strand). Cytogenetic location: 8q24.3.
Variant type: Deletion.
Identifiers: ClinVar variation 1455918 (VCV001455918.4).